The following is an entry in ClinVar:

NM_144691.4(CAPN12):c.238-218T>C

Gene: CAPN12 (calpain 12; minus strand). Cytogenetic location: 19q13.2.
Variant type: single nucleotide variant.
Coding change: c.238-218T>C on transcript NM_144691.4 (MANE Select); 218 bases into the intron before coding-DNA position 238, T replaced by C.
Molecular consequence: intron variant.
Genome position (GRCh38, 1-based): chr19:38,743,320, A>G on the plus strand (T>C on the coding strand, the complement: CAPN12 is on the minus strand). VCF-style: chr19-38743320-A-G. GRCh37 (hg19) VCF-style: chr19-39233960-A-G.
Identifiers: ClinVar variation 4795389 (VCV004795389.1).

ClinVar aggregate classification (germline): Likely benign (1 of 4 stars; one submission).

gnomAD v4.1: 4,875 of 120,194 alleles (4.1%); highest among the groups gnomAD compares: South Asian, 6.4%; 124 homozygotes.

Submission:

GeneDx
Classification: Likely benign. Last evaluated: 2018-07-09. Review status: criteria provided, single submitter. Criteria: GeneDx Variant Classification Process June 2021. Collection method: clinical testing. Allele origin: germline. Affected: yes.
Comment: See Variant Classification Assertion Criteria.